The following is an entry in ClinVar:

NM_004727.3(SLC24A1):c.695T>C (p.Leu232Pro)

Gene: SLC24A1 (solute carrier family 24 member 1; plus strand). Cytogenetic location: 15q22.31.
Variant type: single nucleotide variant.
Coding change: c.695T>C on transcript NM_004727.3 (MANE Select); coding-DNA position 695, T replaced by C.
Protein change: p.Leu232Pro; replaces leucine 232 with proline.
Molecular consequence: missense variant.
Genome position (GRCh38, 1-based): chr15:65,624,775, T>C. VCF-style: chr15-65624775-T-C. GRCh37 (hg19) VCF-style: chr15-65917113-T-C.
Other names: c.695T>C, p.Leu232Pro (NM_001301031.1, NM_001301032.1, NM_001301033.2); short protein forms L232P.
Identifiers: ClinVar variation 1404652 (VCV001404652.6), dbSNP rs2141462433, ClinGen allele CA392914668.

ClinVar aggregate classification (germline): Uncertain significance (1 of 4 stars; one submission).

Allele frequency attached by ClinVar (database versions not stated): gnomAD exomes below 0.00001.
gnomAD v4.1: 1 of 1,613,852 alleles (0.000062%); highest among the groups gnomAD compares: Admixed American, 0.0017%; no homozygotes.

Submission:

Labcorp Genetics (formerly Invitae), Labcorp
Classification: Uncertain significance. Last evaluated: 2025-09-08. Review status: criteria provided, single submitter. Criteria: Invitae Variant Classification Sherloc (09022015). Collection method: clinical testing. Allele origin: germline.
Comment: This sequence change replaces leucine, which is neutral and non-polar, with proline, which is neutral and non-polar, at codon 232 of the SLC24A1 protein (p.Leu232Pro). This variant is not present in population databases (gnomAD no frequency). This variant has not been reported in the literature in individuals affected with SLC24A1-related conditions. ClinVar contains an entry for this variant (Variation ID: 1404652). An algorithm developed to predict the effect of missense changes on protein structure and function outputs the following: PolyPhen-2: "Benign". The proline amino acid residue is found in multiple mammalian species, which suggests that this missense change does not adversely affect protein function. In summary, the available evidence is currently insufficient to determine the role of this variant in disease. Therefore, it has been classified as a Variant of Uncertain Significance.